The following is an entry in ClinVar:

ClinVar aggregate classification (germline): Uncertain significance (1 of 4 stars; one submission).

Submission:

Labcorp Genetics (formerly Invitae), Labcorp
Classification: Uncertain significance. Last evaluated: 2024-02-05. Review status: criteria provided, single submitter. Criteria: Invitae Variant Classification Sherloc (09022015). Collection method: clinical testing. Allele origin: germline.
Comment: This sequence change replaces methionine, which is neutral and non-polar, with valine, which is neutral and non-polar, at codon 4553 of the PCLO protein (p.Met4553Val). This variant is not present in population databases (gnomAD no frequency). This variant has not been reported in the literature in individuals affected with PCLO-related conditions. ClinVar contains an entry for this variant (Variation ID: 2087372). Experimental studies and prediction algorithms are not available or were not evaluated, and the functional significance of this variant is currently unknown. In summary, the available evidence is currently insufficient to determine the role of this variant in disease. Therefore, it has been classified as a Variant of Uncertain Significance.

NM_033026.6(PCLO):c.13657A>G (p.Met4553Val)

Gene: PCLO (piccolo presynaptic cytomatrix protein; minus strand). Cytogenetic location: 7q21.11.
Variant type: single nucleotide variant.
Coding change: c.13657A>G on transcript NM_033026.6 (MANE Select); coding-DNA position 13657, A replaced by G.
Protein change: p.Met4553Val; replaces methionine 4553 with valine.
Molecular consequence: missense variant.
Genome position (GRCh38, 1-based): chr7:82,847,245, T>C on the plus strand (A>G on the coding strand, the complement: PCLO is on the minus strand). VCF-style: chr7-82847245-T-C. GRCh37 (hg19) VCF-style: chr7-82476561-T-C.
Other names: c.13657A>G, p.Met4553Val (NM_014510.3); short protein forms M4553V.
Identifiers: ClinVar variation 2087372 (VCV002087372.4), dbSNP rs2535333623, ClinGen allele CA367879808.